The following is an entry in ClinVar:

NM_182961.4(SYNE1):c.14281A>G (p.Arg4761Gly)

Gene: SYNE1 (spectrin repeat containing nuclear envelope protein 1; minus strand). Cytogenetic location: 6q25.2.
Variant type: single nucleotide variant.
Coding change: c.14281A>G on transcript NM_182961.4 (MANE Select); coding-DNA position 14281, A replaced by G.
Protein change: p.Arg4761Gly; replaces arginine 4761 with glycine.
Molecular consequence: missense variant.
Genome position (GRCh38, 1-based): chr6:152,330,404, T>C on the plus strand (A>G on the coding strand, the complement: SYNE1 is on the minus strand). VCF-style: chr6-152330404-T-C. GRCh37 (hg19) VCF-style: chr6-152651539-T-C.
Other names: c.14068A>G, p.Arg4690Gly (NM_033071.5); short protein forms R4690G, R4761G.
Identifiers: ClinVar variation 507744 (VCV000507744.12), dbSNP rs187910661, ClinGen allele CA4056032.

ClinVar aggregate classification (germline): Benign/Likely benign. Review status: criteria provided, multiple submitters, no conflicts (2 of 4 stars). 4 submissions from 4 submitters: Benign (1); Likely benign (3). Last evaluated 2025-10-18.

Conditions:
Autosomal recessive ataxia, Beauce type. Also called: Spinocerebellar ataxia, autosomal recessive 8; ATAXIA, RECESSIVE, OF BEAUCE; SYNE1-Related Autosomal Recessive Cerebellar Ataxia; SYNE1 Deficiency. Identifiers: Orphanet 88644, MedGen C1853116, MONDO:0012549, OMIM 610743.
Emery-Dreifuss muscular dystrophy 4, autosomal dominant (EDMD4). Also called: EMERY-DREIFUSS MUSCULAR DYSTROPHY 4 WITH VARIABLE FEATURES. Identifiers: Orphanet 261, MedGen C2751807, MONDO:0013071, OMIM 612998.

Allele frequency attached by ClinVar (database versions not stated): TOPMed 0.00010; ESP Exome Variant Server 0.00031; gnomAD exomes 0.00046 and 0.00097; gnomAD 0.00095 and 0.00098; 1000 Genomes Project 30x 0.00109; ExAC 0.00112; 1000 Genomes Project 0.00140.
gnomAD v4.1: 795 of 1,614,182 alleles (0.049%); highest among the groups gnomAD compares: Non-Finnish European, 0.016%; 1 homozygote.

Submissions (4):

Labcorp Genetics (formerly Invitae), Labcorp
Classification: Benign for Emery-Dreifuss muscular dystrophy 4, autosomal dominant; Autosomal recessive ataxia, Beauce type. Last evaluated: 2025-10-18. Review status: criteria provided, single submitter. Criteria: Invitae Variant Classification Sherloc (09022015). Collection method: clinical testing. Allele origin: germline.

Laboratory of Genetics, Children's Clinical University Hospital Latvia
Classification: Likely benign. Last evaluated: 2025-02-16. Review status: criteria provided, single submitter. Criteria: ACMG Guidelines, 2015. Collection method: clinical testing. Allele origin: germline. Affected: yes.

Blueprint Genetics
Classification: Likely benign. Last evaluated: 2024-11-21. Review status: criteria provided, single submitter. Criteria: ACMG Guidelines, 2015. Collection method: clinical testing. Allele origin: germline.

GeneDx
Classification: Likely benign. Last evaluated: 2017-02-27. Review status: criteria provided, single submitter. Criteria: GeneDx Variant Classification (06012015). Collection method: clinical testing. Allele origin: germline. Affected: yes.
Comment: This variant is considered likely benign or benign based on one or more of the following criteria: it is a conservative change, it occurs at a poorly conserved position in the protein, it is predicted to be benign by multiple in silico algorithms, and/or has population frequency not consistent with disease.